The following is an entry in ClinVar:

ClinVar aggregate classification (germline): Uncertain significance. Review status: criteria provided, multiple submitters, no conflicts (2 of 4 stars). 4 submissions from 4 submitters: Uncertain significance (4). Last evaluated 2025-09-13.

Conditions:
SQSTM1-related disorder. Also called: SQSTM1-Related Disorders.
Frontotemporal dementia and/or amyotrophic lateral sclerosis 1 (FTDALS1). Also called: Frontotemporal dementia with motor neuron disease 1; C9orf72 Frontotemporal Dementia and/or Amyotrophic Lateral Sclerosis. Identifiers: Orphanet 275872, MedGen C5779877, MONDO:0007105, OMIM 105550.
Paget disease of bone 2, early-onset (PDB2). Also called: Paget disease of bone 2. Identifiers: MedGen C4085251, MONDO:0011183, OMIM 602080.

Allele frequency attached by ClinVar (database versions not stated): ExAC below 0.00001; gnomAD 0.00002; TOPMed 0.00002.

Submissions (4):

Labcorp Genetics (formerly Invitae), Labcorp
Classification: Uncertain significance for Paget disease of bone 2, early-onset; Frontotemporal dementia and/or amyotrophic lateral sclerosis 1. Last evaluated: 2025-09-13. Review status: criteria provided, single submitter. Criteria: Invitae Variant Classification Sherloc (09022015). Collection method: clinical testing. Allele origin: germline.
Comment: This sequence change replaces alanine, which is neutral and non-polar, with serine, which is neutral and polar, at codon 52 of the SQSTM1 protein (p.Ala52Ser). This variant is not present in population databases (gnomAD no frequency). This variant has not been reported in the literature in individuals affected with SQSTM1-related conditions. ClinVar contains an entry for this variant (Variation ID: 646289). Invitae Evidence Modeling of protein sequence and biophysical properties (such as structural, functional, and spatial information, amino acid conservation, physicochemical variation, residue mobility, and thermodynamic stability) indicates that this missense variant is not expected to disrupt SQSTM1 protein function with a negative predictive value of 80%. In summary, the available evidence is currently insufficient to determine the role of this variant in disease. Therefore, it has been classified as a Variant of Uncertain Significance.

GeneDx
Classification: Uncertain significance. Last evaluated: 2023-10-26. Review status: criteria provided, single submitter. Criteria: GeneDx Variant Classification Process June 2021. Collection method: clinical testing. Allele origin: germline. Affected: yes.
Comment: Not observed at significant frequency in large population cohorts (gnomAD); In silico analysis supports that this missense variant does not alter protein structure/function; Has not been previously published as pathogenic or benign to our knowledge

Mayo Clinic Laboratories, Mayo Clinic
Classification: Uncertain significance. Last evaluated: 2023-10-10. Review status: criteria provided, single submitter. Criteria: ACMG Guidelines, 2015. Collection method: clinical testing. Allele origin: germline. Observed: 1 variant allele.
Comment: BP4

PreventionGenetics, part of Exact Sciences
Classification: Uncertain significance for SQSTM1-related condition. Last evaluated: 2023-03-08. Review status: criteria provided, single submitter. Criteria: ACMG Guidelines, 2015. Collection method: clinical testing. Allele origin: germline.
Comment: The SQSTM1 c.154G>T variant is predicted to result in the amino acid substitution p.Ala52Ser. To our knowledge, this variant has not been reported in the literature or in a large population database, indicating this variant is rare. At this time, the clinical significance of this variant is uncertain due to the absence of conclusive functional and genetic evidence.

NM_003900.5(SQSTM1):c.154G>T (p.Ala52Ser)

Genes: SQSTM1 (sequestosome 1; plus strand), LOC129995449 (ATAC-STARR-seq lymphoblastoid silent region 16749; plus strand). Cytogenetic location: 5q35.3.
Variant type: single nucleotide variant.
Coding change: c.154G>T on transcript NM_003900.5 (MANE Select); coding-DNA position 154, G replaced by T.
Protein change: p.Ala52Ser; replaces alanine 52 with serine.
Molecular consequence: missense variant. On other transcripts: intron variant (2).
Genome position (GRCh38, 1-based): chr5:179,821,090, G>T. VCF-style: chr5-179821090-G-T. GRCh37 (hg19) VCF-style: chr5-179248090-G-T.
Other names: p.Ala52Ser; c.-47-1868G>T (NM_001142298.2, NM_001142299.2); short protein forms A52S.
Identifiers: ClinVar variation 646289 (VCV000646289.12), dbSNP rs748555662, ClinGen allele CA3600379.